The following is an entry in ClinVar:

NM_000521.4(HEXB):c.146C>A (p.Ser49Ter)

Gene: HEXB (hexosaminidase subunit beta; plus strand). Cytogenetic location: 5q13.3.
Variant type: single nucleotide variant.
Coding change: c.146C>A on transcript NM_000521.4 (MANE Select); coding-DNA position 146, C replaced by A.
Protein change: p.Ser49Ter; replaces serine 49 with a stop codon.
Molecular consequence: nonsense. On other transcripts: intron variant (1).
Genome position (GRCh38, 1-based): chr5:74,685,406, C>A. VCF-style: chr5-74685406-C-A. GRCh37 (hg19) VCF-style: chr5-73981231-C-A.
Other names: c.-376-3922C>A (NM_001292004.2); short protein forms S49*.
Identifiers: ClinVar variation 555683 (VCV000555683.11), dbSNP rs1554034452, ClinGen allele CA360062225.

ClinVar aggregate classification (germline): Pathogenic. Review status: criteria provided, multiple submitters, no conflicts (2 of 4 stars). 3 submissions from 3 submitters: Pathogenic (2). 1 of the submissions does not count toward it. Last evaluated 2020-04-26.

Conditions:
Sandhoff disease. Also called: GM2-GANGLIOSIDOSIS, TYPE II; HEXOSAMINIDASES A AND B DEFICIENCY; Beta-hexosaminidase-beta-subunit deficiency; GM2 gangliosidosis, type 2; Total hexosaminidase deficiency; Sandhoff-Jatzkewitz-Pilz disease. Identifiers: Orphanet 796, MedGen C0036161, MONDO:0010006, OMIM 268800.

Allele frequency attached by ClinVar (database versions not stated): TOPMed below 0.00001; gnomAD 0.00001.
gnomAD v4.1: 3 of 1,596,540 alleles (0.00019%); highest among the groups gnomAD compares: Non-Finnish European, 0.00017%; no homozygotes.

Submissions (3):

Labcorp Genetics (formerly Invitae), Labcorp
Classification: Pathogenic for Sandhoff disease. Last evaluated: 2020-04-26. Review status: criteria provided, single submitter. Criteria: Invitae Variant Classification Sherloc (09022015). Collection method: clinical testing. Allele origin: germline.
Comment: For these reasons, this variant has been classified as Pathogenic. Loss-of-function variants in HEXB are known to be pathogenic (PMID: 7550345, 18758829). This variant has been observed in individual(s) with Sandhoff disease (PMID: 22848519). ClinVar contains an entry for this variant (Variation ID: 555683). This variant is not present in population databases (ExAC no frequency). This sequence change creates a premature translational stop signal (p.Ser49*) in the HEXB gene. It is expected to result in an absent or disrupted protein product.

Women's Health and Genetics/Laboratory Corporation of America, LabCorp
Classification: Pathogenic for Sandhoff disease. Last evaluated: 2019-01-10. Review status: criteria provided, single submitter. Criteria: LabCorp Variant Classification Summary - May 2015. Collection method: clinical testing. Allele origin: germline.
Comment: Variant summary: HEXB c.146C>A (p.Ser49X) results in a premature termination codon, predicted to cause a truncation of the encoded protein or absence of the protein due to nonsense mediated decay, which are commonly known mechanisms for disease. A truncation downstream of this position has been classified as pathogenic by our laboratory (eg. c.850C>T (p.Arg284X)). The variant was absent in 204176 control chromosomes (gnomAD). c.146C>A has been reported in the literature in one homozygous individual affected with Sandhoff Disease while, experimental evidence evaluating an impact on protein function demostrated a residual enzymatic activity of 1.6% compared to normal control (Zampieri_2012). A ClinVar submission from a clinical diagnostic laboratory (evaluation after 2014) cites the variant as likely pathogenic. Based on the evidence outlined above, the variant was classified as pathogenic.

Counsyl
Classification: Likely pathogenic for Sandhoff disease. Last evaluated: 2017-12-28. Review status: no assertion criteria provided. Collection method: clinical testing. Allele origin: unknown. Not counted in ClinVar's aggregate classification.

Literature cited by the submitters: PubMed 7550345 (cited by Labcorp Genetics (formerly Invitae), Labcorp); PubMed 18758829 (cited by Labcorp Genetics (formerly Invitae), Labcorp); PubMed 22848519 (cited by 3 submitters).